The following is an entry in ClinVar:

NM_012424.6(RPS6KC1):c.1469G>T (p.Gly490Val)

Gene: RPS6KC1 (ribosomal protein S6 kinase C1; plus strand). Cytogenetic location: 1q32.3.
Variant type: single nucleotide variant.
Coding change: c.1469G>T on transcript NM_012424.6 (MANE Select); coding-DNA position 1469, G replaced by T.
Protein change: p.Gly490Val; replaces glycine 490 with valine.
Molecular consequence: missense variant. On other transcripts: non-coding transcript variant (4).
Genome position (GRCh38, 1-based): chr1:213,240,945, G>T. VCF-style: chr1-213240945-G-T. GRCh37 (hg19) VCF-style: chr1-213414288-G-T.
Other names: c.1433G>T, p.Gly478Val (NM_001136138.4); c.833G>T, p.Gly278Val (NM_001287218.3, NM_001287219.3, NM_001349654.2); c.74G>T, p.Gly25Val (NM_001287220.3, NM_001349663.2, NM_001349664.2 and 8 more transcripts); c.926G>T, p.Gly309Val (NM_001287221.3, NM_001349648.2, NM_001349649.2 and 4 more transcripts); c.1376G>T, p.Gly459Val (NM_001349646.2); c.1106G>T, p.Gly369Val (NM_001349647.2); c.578G>T, p.Gly193Val (NM_001349657.2, NM_001349658.2); c.413G>T, p.Gly138Val (NM_001349659.2, NM_001349660.2, NM_001349661.2 and 1 more transcripts); and 1 more; short protein forms G138V, G309V, G193V, G278V, G490V, G25V, G369V, G459V.
Identifiers: ClinVar variation 1422950 (VCV001422950.9), dbSNP rs140824568, ClinGen allele CA1387472.

ClinVar aggregate classification (germline): Uncertain significance. Review status: criteria provided, multiple submitters, no conflicts (2 of 4 stars). 2 submissions from 2 submitters: Uncertain significance (2). Last evaluated 2025-08-23.

Allele frequency attached by ClinVar (database versions not stated): gnomAD exomes 0.00002 and 0.00004; ExAC 0.00004; TOPMed 0.00024; 1000 Genomes Project 0.00040; 1000 Genomes Project 30x 0.00047; ESP Exome Variant Server 0.00015; gnomAD 0.00016.
gnomAD v4.1: 50 of 1,613,852 alleles (0.0031%); highest among the groups gnomAD compares: African/African-American, 0.06%; 1 homozygote.

Submissions (2):

Ambry Genetics
Classification: Uncertain significance. Last evaluated: 2025-08-23. Review status: criteria provided, single submitter. Criteria: Ambry Variant Classification Scheme 2023. Collection method: clinical testing. Allele origin: germline.

Labcorp Genetics (formerly Invitae), Labcorp
Classification: Uncertain significance. Last evaluated: 2025-05-27. Review status: criteria provided, single submitter. Criteria: Invitae Variant Classification Sherloc (09022015). Collection method: clinical testing. Allele origin: germline.
Comment: This sequence change replaces glycine, which is neutral and non-polar, with valine, which is neutral and non-polar, at codon 490 of the RPS6KC1 protein (p.Gly490Val). This variant is present in population databases (rs140824568, gnomAD 0.05%). This variant has not been reported in the literature in individuals affected with RPS6KC1-related conditions. ClinVar contains an entry for this variant (Variation ID: 1422950). An algorithm developed to predict the effect of missense changes on protein structure and function (PolyPhen-2) suggests that this variant is likely to be tolerated. In summary, the available evidence is currently insufficient to determine the role of this variant in disease. Therefore, it has been classified as a Variant of Uncertain Significance.